The following is an entry in ClinVar:

ClinVar aggregate classification (germline): Benign. Review status: criteria provided, single submitter (1 of 4 stars). 2 submissions from 1 submitter: Benign (2). Last evaluated 2018-01-13.

Conditions:
Hypophosphatemic rickets, autosomal recessive, 2 (ARHR2). Identifiers: Orphanet 289176, MedGen C2750078, MONDO:0013219, OMIM 613312.
Arterial calcification, generalized, of infancy, 1 (GACI1). Also called: Idiopathic Infantile Arterial Calcification. Identifiers: Orphanet 51608, MedGen C4551985, MONDO:0008817, OMIM 208000.

Allele frequency attached by ClinVar (database versions not stated): gnomAD 0.00139 and 0.00188; TOPMed 0.00226; 1000 Genomes Project 30x 0.01077; 1000 Genomes Project 0.01098.

Submissions (2):

Illumina Laboratory Services, Illumina
Classification: Benign for Arterial calcification, generalized, of infancy, 1. Last evaluated: 2018-01-13. Review status: criteria provided, single submitter. Criteria: ICSL Variant Classification Criteria 13 December 2019. Collection method: clinical testing. Allele origin: germline.
Comment: This variant was observed in the ICSL laboratory as part of a predisposition screen in an ostensibly healthy population. It had not been previously curated by ICSL or reported in the Human Gene Mutation Database (HGMD: prior to June 1st, 2018), and was therefore a candidate for classification through an automated scoring system. Utilizing variant allele frequency, disease prevalence and penetrance estimates, and inheritance mode, an automated score was calculated to assess if this variant is too frequent to cause the disease. Based on the score and internal cut-off values, a variant classified as benign is not then subjected to further curation. The score for this variant resulted in a classification of benign for this disease.

Illumina Laboratory Services, Illumina
Classification: Benign for Hypophosphatemic rickets, autosomal recessive, 2. Last evaluated: 2018-01-13. Review status: criteria provided, single submitter. Criteria: ICSL Variant Classification Criteria 13 December 2019. Collection method: clinical testing. Allele origin: germline.
Comment: the same text as in the submission from Illumina Laboratory Services, Illumina above.

NM_006208.3(ENPP1):c.*3594C>T

Gene: ENPP1 (ectonucleotide pyrophosphatase/phosphodiesterase 1; plus strand). Cytogenetic location: 6q23.2.
Variant type: single nucleotide variant.
Coding change: c.*3594C>T on transcript NM_006208.3 (MANE Select); 3594 bases downstream of the stop codon, C replaced by T.
Molecular consequence: 3 prime UTR variant.
Genome position (GRCh38, 1-based): chr6:131,894,105, C>T. VCF-style: chr6-131894105-C-T. GRCh37 (hg19) VCF-style: chr6-132215245-C-T.
Identifiers: ClinVar variation 355420 (VCV000355420.5), dbSNP rs140569538, ClinGen allele CA10621441.